The following is an entry in ClinVar:

ClinVar aggregate classification (germline): Uncertain significance. Review status: criteria provided, multiple submitters, no conflicts (2 of 4 stars). 2 submissions from 2 submitters: Uncertain significance (2). Last evaluated 2024-08-19.

Conditions:
Inborn genetic diseases. Identifiers: MedGen C0950123, MeSH D030342.

Allele frequency attached by ClinVar (database versions not stated): ExAC 0.00001; gnomAD 0.00005; TOPMed 0.00006.
gnomAD v4.1: 77 of 1,613,450 alleles (0.0048%); highest among the groups gnomAD compares: Middle Eastern, 0.033%; no homozygotes.

Submissions (2):

Ambry Genetics
Classification: Uncertain significance for Inborn genetic diseases. Last evaluated: 2024-08-19. Review status: criteria provided, single submitter. Criteria: Ambry Variant Classification Scheme 2023. Collection method: clinical testing. Allele origin: germline.

Labcorp Genetics (formerly Invitae), Labcorp
Classification: Uncertain significance. Last evaluated: 2024-03-02. Review status: criteria provided, single submitter. Criteria: Invitae Variant Classification Sherloc (09022015). Collection method: clinical testing. Allele origin: germline.
Comment: This sequence change replaces alanine, which is neutral and non-polar, with valine, which is neutral and non-polar, at codon 513 of the ROR2 protein (p.Ala513Val). This variant is present in population databases (rs755892163, gnomAD 0.006%). This variant has not been reported in the literature in individuals affected with ROR2-related conditions. ClinVar contains an entry for this variant (Variation ID: 2178914). Advanced modeling of protein sequence and biophysical properties (such as structural, functional, and spatial information, amino acid conservation, physicochemical variation, residue mobility, and thermodynamic stability) performed at Invitae indicates that this missense variant is not expected to disrupt ROR2 protein function with a negative predictive value of 80%. In summary, the available evidence is currently insufficient to determine the role of this variant in disease. Therefore, it has been classified as a Variant of Uncertain Significance.

NM_004560.4(ROR2):c.1538C>T (p.Ala513Val)

Gene: ROR2 (receptor tyrosine kinase like orphan receptor 2; minus strand). Cytogenetic location: 9q22.31.
Variant type: single nucleotide variant.
Coding change: c.1538C>T on transcript NM_004560.4 (MANE Select); coding-DNA position 1538, C replaced by T.
Protein change: p.Ala513Val; replaces alanine 513 with valine.
Molecular consequence: missense variant.
Genome position (GRCh38, 1-based): chr9:91,724,956, G>A on the plus strand (C>T on the coding strand, the complement: ROR2 is on the minus strand). VCF-style: chr9-91724956-G-A. GRCh37 (hg19) VCF-style: chr9-94487238-G-A.
Other names: c.1538C>T (NM_004560.3); short protein forms A513V.
Identifiers: ClinVar variation 2178914 (VCV002178914.5), dbSNP rs755892163, ClinGen allele CA5120662.